The following is an entry in ClinVar:

NM_013450.4(BAZ2B):c.3574G>A (p.Glu1192Lys)

Gene: BAZ2B (bromodomain adjacent to zinc finger domain 2B; minus strand). Cytogenetic location: 2q24.2.
Variant type: single nucleotide variant.
Coding change: c.3574G>A on transcript NM_013450.4 (MANE Select); coding-DNA position 3574, G replaced by A.
Protein change: p.Glu1192Lys; replaces glutamic acid 1192 with lysine.
Molecular consequence: missense variant.
Genome position (GRCh38, 1-based): chr2:159,385,267, C>T on the plus strand (G>A on the coding strand, the complement: BAZ2B is on the minus strand). VCF-style: chr2-159385267-C-T. GRCh37 (hg19) VCF-style: chr2-160241778-C-T.
Other names: c.3466G>A, p.Glu1156Lys (NM_001289975.1); c.3412G>A, p.Glu1138Lys (NM_001329857.2); c.3499G>A, p.Glu1167Lys (NM_001329858.2); short protein forms E1138K, E1167K, E1156K, E1192K.
Identifiers: ClinVar variation 5009029 (VCV005009029.1).

ClinVar aggregate classification (germline): Uncertain significance (1 of 4 stars; one submission).

Submission:

GeneDx
Classification: Uncertain significance. Last evaluated: 2026-03-11. Review status: criteria provided, single submitter. Criteria: GeneDx Variant Classification Process June 2021. Collection method: clinical testing. Allele origin: germline.
Comment: Not observed at significant frequency in large population cohorts (gnomAD); In silico analysis suggests that this missense variant does not alter protein structure/function; Has not been previously published as pathogenic or benign to our knowledge